The following is an entry in ClinVar:

NM_000642.3(AGL):c.292G>C (p.Gly98Arg)

Gene: AGL (amylo-alpha-1,6-glucosidase and 4-alpha-glucanotransferase; plus strand). Cytogenetic location: 1p21.2.
Variant type: single nucleotide variant.
Coding change: c.292G>C on transcript NM_000642.3 (MANE Select); coding-DNA position 292, G replaced by C.
Protein change: p.Gly98Arg; replaces glycine 98 with arginine.
Molecular consequence: missense variant.
Genome position (GRCh38, 1-based): chr1:99,861,712, G>C. VCF-style: chr1-99861712-G-C. GRCh37 (hg19) VCF-style: chr1-100327268-G-C.
Other names: c.292G>C, p.Gly98Arg (NM_000028.3, NM_000643.3, NM_000644.3 and 5 more transcripts); c.244G>C, p.Gly82Arg (NM_000646.3); short protein forms G82R, G98R.
Identifiers: ClinVar variation 2114143 (VCV002114143.4), dbSNP rs1557746870, ClinGen allele CA341330226.

ClinVar aggregate classification (germline): Uncertain significance (1 of 4 stars; one submission).

Conditions:
Glycogen storage disease type III (GSD3). Also called: FORBES DISEASE; Cori disease. Identifiers: Orphanet 366, MedGen C0017922, MONDO:0009291, OMIM 232400.

Submission:

Labcorp Genetics (formerly Invitae), Labcorp
Classification: Uncertain significance for Glycogen storage disease type III. Last evaluated: 2022-03-19. Review status: criteria provided, single submitter. Criteria: Invitae Variant Classification Sherloc (09022015). Collection method: clinical testing. Allele origin: germline.
Comment: This sequence change replaces glycine, which is neutral and non-polar, with arginine, which is basic and polar, at codon 98 of the AGL protein (p.Gly98Arg). This variant is not present in population databases (gnomAD no frequency). This variant has not been reported in the literature in individuals affected with AGL-related conditions. Algorithms developed to predict the effect of missense changes on protein structure and function (SIFT, PolyPhen-2, Align-GVGD) all suggest that this variant is likely to be tolerated. In summary, the available evidence is currently insufficient to determine the role of this variant in disease. Therefore, it has been classified as a Variant of Uncertain Significance.